The following is an entry in ClinVar:

ClinVar aggregate classification (germline): Uncertain significance (1 of 4 stars; one submission).

gnomAD v4.1: 2 of 1,614,210 alleles (0.00012%); highest among the groups gnomAD compares: Non-Finnish European, 0.00017%; no homozygotes.

Submission:

Ambry Genetics
Classification: Uncertain significance. Last evaluated: 2025-06-25. Review status: criteria provided, single submitter. Criteria: Ambry Variant Classification Scheme 2023. Collection method: clinical testing. Allele origin: germline.
Comment: The p.H658Q variant (also known as c.1974T>A), located in coding exon 13 of the RINT1 gene, results from a T to A substitution at nucleotide position 1974. The histidine at codon 658 is replaced by glutamine, an amino acid with highly similar properties. This amino acid position is conserved. In addition, this alteration is predicted to be tolerated by in silico analysis. Based on the available evidence, the clinical significance of this variant remains unclear.

NM_021930.6(RINT1):c.1974T>A (p.His658Gln)

Genes: EFCAB10 (EF-hand calcium binding domain 10; minus strand), RINT1 (RAD50 interactor 1; plus strand). Cytogenetic location: 7q22.3.
Variant type: single nucleotide variant.
Coding change: c.1974T>A on transcript NM_021930.6 (MANE Select); coding-DNA position 1974, T replaced by A.
Protein change: p.His658Gln; replaces histidine 658 with glutamine.
Molecular consequence: missense variant. On other transcripts: 3 prime UTR variant (3), non-coding transcript variant (1).
Genome position (GRCh38, 1-based): chr7:105,565,364, T>A. VCF-style: chr7-105565364-T-A. GRCh37 (hg19) VCF-style: chr7-105205811-T-A.
Other names: c.*83A>T (NM_001355526.2); c.*185A>T (NM_001355530.2); c.*38A>T (NM_001355531.2); c.1740T>A, p.His580Gln (NM_001346599.2); c.951T>A, p.His317Gln (NM_001346600.2, NM_001346603.2); c.1050T>A, p.His350Gln (NM_001346601.2); short protein forms H317Q, H350Q, H658Q, H580Q.
Identifiers: ClinVar variation 4154590 (VCV004154590.1).
Genomic context (GRCh38, chr7:105,565,364, plus strand): 5'-GCAGGCAGTGATGTCCCTGTCCAGTTCGGCTTGCCCGTTGCTGCTGACGTTACGAGACCA[T>A]TTACTTCAGTTGGAGCAGCAGCTTTGTTTCTCCTTATTTAAAATTTTCTGGCAAATGCTT-3'
Protein context (NP_068749.3, residues 648-668): ACPLLLTLRD[His658Gln]LLQLEQQLCF